The following is an entry in ClinVar:

NM_020778.5(ALPK3):c.463C>T (p.Gln155Ter)

Gene: ALPK3 (alpha kinase 3; plus strand). Cytogenetic location: 15q25.3.
Variant type: single nucleotide variant.
Coding change: c.463C>T on transcript NM_020778.5 (MANE Select); coding-DNA position 463, C replaced by T.
Protein change: p.Gln155Ter; replaces glutamine 155 with a stop codon.
Molecular consequence: nonsense.
Genome position (GRCh38, 1-based): chr15:84,839,742, C>T. VCF-style: chr15-84839742-C-T. GRCh37 (hg19) VCF-style: chr15-85382973-C-T.
Other names: short protein forms Q155*.
Identifiers: ClinVar variation 2027323 (VCV002027323.4), dbSNP rs1316134526, ClinGen allele CA393372526.

ClinVar aggregate classification (germline): Pathogenic (1 of 4 stars; one submission).

Submission:

Labcorp Genetics (formerly Invitae), Labcorp
Classification: Pathogenic. Last evaluated: 2022-09-05. Review status: criteria provided, single submitter. Criteria: Invitae Variant Classification Sherloc (09022015). Collection method: clinical testing. Allele origin: germline.
Comment: This sequence change creates a premature translational stop signal (p.Gln357*) in the ALPK3 gene. It is expected to result in an absent or disrupted protein product. Loss-of-function variants in ALPK3 are known to be pathogenic (PMID: 21441111, 26846950, 27106955, 34263907). This variant is not present in population databases (gnomAD no frequency). This variant has not been reported in the literature in individuals affected with ALPK3-related conditions. For these reasons, this variant has been classified as Pathogenic.

Literature cited by the submitters: PubMed 21441111; PubMed 26846950; PubMed 27106955; PubMed 34263907.